The following is an entry in ClinVar:

ClinVar aggregate classification (germline): Conflicting classifications of pathogenicity. Review status: criteria provided, conflicting classifications (1 of 4 stars). 4 submissions from 4 submitters: Likely pathogenic (2); Uncertain significance (1). 1 of the submissions does not count toward it. Last evaluated 2025-05-29.

Conditions:
Pontocerebellar hypoplasia type 2D (PCH2D). Also called: Progressive cerebello-cerebral atrophy. Identifiers: Orphanet 247198, Orphanet 2524, MedGen C3151140, MONDO:0013438, OMIM 613811.

Allele frequency attached by ClinVar (database versions not stated): TOPMed 0.00002; gnomAD exomes 0.00007 and 0.00022; ExAC 0.00012; gnomAD 0.00013 and 0.00014.
gnomAD v4.1: 131 of 1,613,946 alleles (0.0081%); highest among the groups gnomAD compares: Non-Finnish European, 0.00068%; no homozygotes.

Submissions (4):

Myriad Genetics, Inc.
Classification: Likely pathogenic for Pontocerebellar hypoplasia type 2D. Last evaluated: 2025-05-29. Review status: criteria provided, single submitter. Criteria: Myriad Autosomal Dominant, Autosomal Recessive and X-Linked Classification Criteria (2023). Collection method: clinical testing. Allele origin: unknown.
Comment: NM_016955.3(SEPSECS):c.548-1G>A is a variant in a canonical splice site classified as likely pathogenic in the context of pontocerebellar hypoplasia, SEPSECS-related. c.548-1G>A has not been observed in cases with relevant disease. Relevant functional assessments of this variant are not available in the literature. c.548-1G>A has been observed in referenced population frequency databases. In summary, NM_016955.3(SEPSECS):c.548-1G>A is a variant in a canonical splice site in a gene where loss of function is a known mechanism of disease and is predicted to disrupt protein function. Please note: this variant was assessed in the context of healthy population screening.

Labcorp Genetics (formerly Invitae), Labcorp
Classification: Likely pathogenic. Last evaluated: 2022-06-09. Review status: criteria provided, single submitter. Criteria: Invitae Variant Classification Sherloc (09022015). Collection method: clinical testing. Allele origin: germline.
Comment: Algorithms developed to predict the effect of sequence changes on RNA splicing suggest that this variant may disrupt the consensus splice site. In summary, the currently available evidence indicates that the variant is pathogenic, but additional data are needed to prove that conclusively. Therefore, this variant has been classified as Likely Pathogenic. ClinVar contains an entry for this variant (Variation ID: 432373). This variant has not been reported in the literature in individuals affected with SEPSECS-related conditions. This variant is present in population databases (rs200041461, gnomAD 0.2%). This sequence change affects an acceptor splice site in intron 4 of the SEPSECS gene. It is expected to disrupt RNA splicing. Variants that disrupt the donor or acceptor splice site typically lead to a loss of protein function (PMID: 16199547), and loss-of-function variants in SEPSECS are known to be pathogenic (PMID: 25558065, 25590979, 26115735).

GeneDx
Classification: Uncertain significance. Last evaluated: 2017-06-05. Review status: criteria provided, single submitter. Criteria: GeneDx Variant Classification (06012015). Collection method: clinical testing. Allele origin: germline. Affected: yes.
Comment: A variant of uncertain significance has been identified in the SEPSECS gene. The c.548-1 G>A variant has not been published as a pathogenic variant, nor has it been reported as a benign variant to our knowledge. The c.548-1 G>A variant is observed in 11/6578 (0.2%) alleles from individuals of European background (Lek et al., 2016; 1000 Genomes Consortium et al., 2015; Exome Variant Server). The c.548-1 G>A splice site variant destroys the canonical splice acceptor site in intron 4. It is predicted to cause abnormal gene splicing, either leading to an abnormal message that is subject to nonsense-mediated mRNA decay, or to an abnormal protein product if the message is used for protein translation. Based on the currently available information, it is unclear whether this variant is a pathogenic variant or a rare benign variant.

Natera, Inc.
Classification: Uncertain significance for Pontocerebellar hypoplasia type 2d. Last evaluated: 2020-10-01. Review status: no assertion criteria provided. Collection method: clinical testing. Allele origin: germline. Not counted in ClinVar's aggregate classification.

Literature cited by the submitters: PubMed 16199547 (cited by Labcorp Genetics (formerly Invitae), Labcorp); PubMed 25558065 (cited by Labcorp Genetics (formerly Invitae), Labcorp); PubMed 25590979 (cited by Labcorp Genetics (formerly Invitae), Labcorp); PubMed 26115735 (cited by Labcorp Genetics (formerly Invitae), Labcorp).

NM_016955.4(SEPSECS):c.548-1G>A

Gene: SEPSECS (Sep (O-phosphoserine) tRNA:Sec (selenocysteine) tRNA synthase; minus strand). Cytogenetic location: 4p15.2.
Variant type: single nucleotide variant.
Coding change: c.548-1G>A on transcript NM_016955.4 (MANE Select); the canonical splice acceptor site of the intron before coding-DNA position 548, G replaced by A.
Molecular consequence: splice acceptor variant.
Genome position (GRCh38, 1-based): chr4:25,155,152, C>T on the plus strand (G>A on the coding strand, the complement: SEPSECS is on the minus strand). VCF-style: chr4-25155152-C-T. GRCh37 (hg19) VCF-style: chr4-25156774-C-T.
Other names: c.803-1G>A (NM_001410714.1).
Identifiers: ClinVar variation 432373 (VCV000432373.13), dbSNP rs200041461, ClinGen allele CA2877404.
Genomic context (GRCh38, chr4:25,155,152, plus strand): 5'-TCAGGTCTGTACGCAGCTCGTCACCTTCCAAAACATTTTCTATCACCACAGGCTCAAAAC[C>T]TAACCAAACCAACCAGAAAACAAAATGTTAGTGTGAACTAAAATAAGGGAAGATCCTGAA-3'